The following is an entry in ClinVar:

NM_024649.5(BBS1):c.1642del (p.Leu548fs)

Genes: BBS1 (Bardet-Biedl syndrome 1; plus strand), ZDHHC24 (zDHHC palmitoyltransferase 24; minus strand). Cytogenetic location: 11q13.2.
Variant type: Deletion.
Coding change: c.1642del on transcript NM_024649.5 (MANE Select); coding-DNA position 1642, one base deleted (C; older notation c.1642delC).
Protein change: p.Leu548fs; shifts the reading frame from leucine 548.
Molecular consequence: frameshift variant. On other transcripts: intron variant (1).
Genome position (GRCh38, 1-based): chr11:66,531,689, C deleted; the last of 5 consecutive C bases (chr11:66,531,685-66,531,689); deleting any one gives the same sequence. VCF-style (leftmost placement, unchanged base first): chr11-66531684-AC-A. GRCh37 (hg19) VCF-style: chr11-66299155-AC-A.
Other names: c.1642delC (NM_024649.5); c.560-2197del (NM_001348571.2); short protein forms L548fs.
Identifiers: ClinVar variation 554520 (VCV000554520.29), dbSNP rs1555050404, ClinGen allele CA658821964.

ClinVar aggregate classification (germline): Pathogenic/Likely pathogenic. Review status: criteria provided, multiple submitters, no conflicts (2 of 4 stars). 4 submissions from 4 submitters: Pathogenic (1); Likely pathogenic (1). 2 of the submissions do not count toward it. Last evaluated 2023-11-15.

Conditions:
Bardet-Biedl syndrome (BBS). Identifiers: Orphanet 110, MedGen C0752166, MONDO:0015229.
Bardet-Biedl syndrome 1 (BBS1). Identifiers: MedGen C2936862, MONDO:0008854, OMIM 209900. Disease mechanism: loss of function.

Submissions (4):

Labcorp Genetics (formerly Invitae), Labcorp
Classification: Pathogenic for Bardet-Biedl syndrome. Last evaluated: 2023-11-15. Review status: criteria provided, single submitter. Criteria: Invitae Variant Classification Sherloc (09022015). Collection method: clinical testing. Allele origin: germline.
Comment: This sequence change creates a premature translational stop signal (p.Leu548Trpfs*31) in the BBS1 gene. While this is not anticipated to result in nonsense mediated decay, it is expected to disrupt the last 46 amino acid(s) of the BBS1 protein. This variant is not present in population databases (gnomAD no frequency). This premature translational stop signal has been observed in individual(s) with Bardet-Biedl syndrome and/or inherited retinal dystrophy (PMID: 12837689, 28143435, 36460718). In at least one individual the data is consistent with being in trans (on the opposite chromosome) from a pathogenic variant. It has also been observed to segregate with disease in related individuals. This variant is also known as L548fsX579. ClinVar contains an entry for this variant (Variation ID: 554520). For these reasons, this variant has been classified as Pathogenic.

Kariminejad - Najmabadi Pathology & Genetics Center
Classification: Likely pathogenic. Last evaluated: 2021-07-10. Review status: criteria provided, single submitter. Criteria: ACMG Guidelines, 2015. Collection method: clinical testing. Allele origin: germline. Affected: yes.

Counsyl
Classification: Pathogenic for Bardet-Biedl syndrome 1. Last evaluated: 2017-10-24. Review status: no assertion criteria provided. Collection method: clinical testing. Allele origin: unknown. Not counted in ClinVar's aggregate classification.

OMIM
Classification: Pathogenic for BARDET-BIEDL SYNDROME 1. Last evaluated: 2003-07-15. Review status: no assertion criteria provided. Collection method: literature only. Allele origin: germline. Not counted in ClinVar's aggregate classification.

Literature cited by the submitters: PubMed 12837689 (cited by Labcorp Genetics (formerly Invitae), Labcorp and OMIM); PubMed 28143435 (cited by Labcorp Genetics (formerly Invitae), Labcorp and Counsyl); PubMed 36460718 (cited by Labcorp Genetics (formerly Invitae), Labcorp); PubMed 12677556 (cited by Counsyl).